The following is an entry in ClinVar:

NM_001199397.3(NEK1):c.2161C>G (p.Arg721Gly)

Gene: NEK1 (NIMA related kinase 1; minus strand). Cytogenetic location: 4q33.
Variant type: single nucleotide variant.
Coding change: c.2161C>G on transcript NM_001199397.3 (MANE Select); coding-DNA position 2161, C replaced by G.
Protein change: p.Arg721Gly; replaces arginine 721 with glycine.
Molecular consequence: missense variant. On other transcripts: non-coding transcript variant (1).
Genome position (GRCh38, 1-based): chr4:169,477,476, G>C on the plus strand (C>G on the coding strand, the complement: NEK1 is on the minus strand). VCF-style: chr4-169477476-G-C. GRCh37 (hg19) VCF-style: chr4-170398627-G-C.
Other names: p.Arg721Gly; c.2077C>G (NM_012224.2); c.2161C>G (NM_001199397.2); c.2029C>G, p.Arg677Gly (NM_001199398.3); c.1870C>G, p.Arg624Gly (NM_001199399.3); c.1945C>G, p.Arg649Gly (NM_001199400.3); c.2161C>G, p.Arg721Gly (NM_001374418.1); c.2077C>G, p.Arg693Gly (NM_001374419.1, NM_012224.4); and 2 more; short protein forms R619G, R624G, R649G, R676G, R677G, R693G, R721G.
Identifiers: ClinVar variation 993461 (VCV000993461.18), dbSNP rs201726561, ClinGen allele CA3137487.

ClinVar aggregate classification (germline): Uncertain significance. Review status: criteria provided, multiple submitters, no conflicts (2 of 4 stars). 4 submissions from 4 submitters: Uncertain significance (4). Last evaluated 2025-10-17.

Conditions:
Inborn genetic diseases. Identifiers: MedGen C0950123, MeSH D030342.
Short-rib thoracic dysplasia 6 with or without polydactyly (SRTD6). Also called: POLYDACTYLY WITH NEONATAL CHONDRODYSTROPHY, TYPE II; SHORT RIB-POLYDACTYLY SYNDROME, TYPE IIA; Majewski Syndrome; SHORT-RIB THORACIC DYSPLASIA 6 WITH POLYDACTYLY; SHORT-RIB THORACIC DYSPLASIA 6 WITHOUT POLYDACTYLY. Identifiers: MedGen C0024507, MONDO:0009894, OMIM 263520.

Allele frequency attached by ClinVar (database versions not stated): TOPMed 0.00005.
gnomAD v4.1: 44 of 1,606,834 alleles (0.0027%); highest among the groups gnomAD compares: African/African-American, 0.044%; no homozygotes.

Submissions (4):

Mayo Clinic Laboratories, Mayo Clinic
Classification: Uncertain significance. Last evaluated: 2025-10-17. Review status: criteria provided, single submitter. Criteria: ACMG Guidelines, 2015. Collection method: clinical testing. Allele origin: germline. Observed: 1 variant allele.
Comment: BP4_moderate

Ambry Genetics
Classification: Uncertain significance for Inborn genetic diseases. Last evaluated: 2025-05-20. Review status: criteria provided, single submitter. Criteria: Ambry Variant Classification Scheme 2023. Collection method: clinical testing. Allele origin: germline.

Labcorp Genetics (formerly Invitae), Labcorp
Classification: Uncertain significance for Short-rib thoracic dysplasia 6 with or without polydactyly. Last evaluated: 2024-11-18. Review status: criteria provided, single submitter. Criteria: Invitae Variant Classification Sherloc (09022015). Collection method: clinical testing. Allele origin: germline.
Comment: This sequence change replaces arginine, which is basic and polar, with glycine, which is neutral and non-polar, at codon 693 of the NEK1 protein (p.Arg693Gly). This variant is present in population databases (rs201726561, gnomAD 0.03%). This variant has not been reported in the literature in individuals affected with NEK1-related conditions. ClinVar contains an entry for this variant (Variation ID: 993461). Invitae Evidence Modeling of protein sequence and biophysical properties (such as structural, functional, and spatial information, amino acid conservation, physicochemical variation, residue mobility, and thermodynamic stability) indicates that this missense variant is not expected to disrupt NEK1 protein function with a negative predictive value of 80%. In summary, the available evidence is currently insufficient to determine the role of this variant in disease. Therefore, it has been classified as a Variant of Uncertain Significance.

ARUP Laboratories, Molecular Genetics and Genomics, ARUP Laboratories
Classification: Uncertain significance. Last evaluated: 2020-02-16. Review status: criteria provided, single submitter. Criteria: ARUP Molecular Germline Variant Investigation Process. Collection method: clinical testing. Allele origin: germline.
Comment: The NEK1 c.2077C>G; p.Arg693Gly variant (rs201726561), to our knowledge, is not reported in the medical literature or gene-specific databases. This variant is found on only nine chromosomes (9/274446 alleles) in the Genome Aggregation Database. The arginine at codon 693 is weakly conserved, and computational analyses (SIFT: damaging, PolyPhen-2: benign) predict conflicting effects of this variant on protein structure/function. However, due to limited information, the clinical significance of the p.Arg693Gly variant is uncertain at this time.